The following is an entry in ClinVar:

ClinVar aggregate classification (germline): Likely benign. Review status: criteria provided, multiple submitters, no conflicts (2 of 4 stars). 3 submissions from 3 submitters: Likely benign (3). Last evaluated 2026-02-06.

Conditions:
Colorectal cancer, susceptibility to, 12 (CRCS12). Also called: COLORECTAL CANCER, SUSCEPTIBILITY TO, ON CHROMOSOME 12q24. Identifiers: Orphanet 220460, MedGen C3554460, MONDO:0014038, OMIM 615083.
Hereditary cancer-predisposing syndrome. Also called: Tumor predisposition; Neoplastic Syndromes, Hereditary; Hereditary Cancer Syndrome; Hereditary neoplastic syndrome. Identifiers: Orphanet 140162, MedGen C0027672, MeSH D009386, MONDO:0015356.

Allele frequency attached by ClinVar (database versions not stated): gnomAD exomes 0.00001.
gnomAD v4.1: 2 of 1,613,352 alleles (0.00012%); highest among the groups gnomAD compares: Non-Finnish European, 0.00017%; no homozygotes.

Submissions (3):

Ambry Genetics
Classification: Likely benign for Hereditary cancer-predisposing syndrome. Last evaluated: 2026-02-06. Review status: criteria provided, single submitter. Criteria: Ambry Variant Classification Scheme 2023. Collection method: clinical testing. Allele origin: germline.

Labcorp Genetics (formerly Invitae), Labcorp
Classification: Likely benign. Last evaluated: 2025-07-16. Review status: criteria provided, single submitter. Criteria: Invitae Variant Classification Sherloc (09022015). Collection method: clinical testing. Allele origin: germline.

Myriad Genetics, Inc.
Classification: Likely benign for Colorectal cancer, susceptibility to, 12. Last evaluated: 2025-02-10. Review status: criteria provided, single submitter. Criteria: Myriad Autosomal Dominant, Autosomal Recessive and X-Linked Classification Criteria (2023). Collection method: clinical testing. Allele origin: unknown.
Comment: This variant is considered likely benign. This variant is intronic and is not expected to impact mRNA splicing.

NM_006231.4(POLE):c.1227-4C>T

Gene: POLE (DNA polymerase epsilon, catalytic subunit; minus strand). Cytogenetic location: 12q24.33.
Variant type: single nucleotide variant.
Coding change: c.1227-4C>T on transcript NM_006231.4 (MANE Select); 4 bases into the intron before coding-DNA position 1227, C replaced by T.
Molecular consequence: intron variant.
Genome position (GRCh38, 1-based): chr12:132,673,711, G>A on the plus strand (C>T on the coding strand, the complement: POLE is on the minus strand). VCF-style: chr12-132673711-G-A. GRCh37 (hg19) VCF-style: chr12-133250297-G-A.
Identifiers: ClinVar variation 799328 (VCV000799328.15), dbSNP rs1200122093, ClinGen allele CA608514563.